The following is an entry in ClinVar:

ClinVar aggregate classification (germline): Uncertain significance. Review status: criteria provided, single submitter (1 of 4 stars). 2 submissions from 2 submitters: Uncertain significance (1). 1 of the submissions does not count toward it. Last evaluated 2023-09-03.

Conditions:
FGFR3-related disorder. Also called: FGFR3-related disorders.

Allele frequency attached by ClinVar (database versions not stated): TOPMed below 0.00001; gnomAD exomes below 0.00001.
gnomAD v4.1: 1 of 1,612,764 alleles (0.000062%); highest among the groups gnomAD compares: Admixed American, 0.0017%; no homozygotes.

Submissions (2):

Labcorp Genetics (formerly Invitae), Labcorp
Classification: Uncertain significance. Last evaluated: 2023-09-03. Review status: criteria provided, single submitter. Criteria: Invitae Variant Classification Sherloc (09022015). Collection method: clinical testing. Allele origin: germline.
Comment: In summary, the available evidence is currently insufficient to determine the role of this variant in disease. Therefore, it has been classified as a Variant of Uncertain Significance. An algorithm developed to predict the effect of missense changes on protein structure and function (PolyPhen-2) suggests that this variant is likely to be disruptive. ClinVar contains an entry for this variant (Variation ID: 1680112). This variant has not been reported in the literature in individuals affected with FGFR3-related conditions. This variant is not present in population databases (gnomAD no frequency). This sequence change replaces asparagine, which is neutral and polar, with aspartic acid, which is acidic and polar, at codon 653 of the FGFR3 protein (p.Asn653Asp).

PreventionGenetics, part of Exact Sciences
Classification: Uncertain significance for FGFR3-related condition. Last evaluated: 2024-01-03. Review status: no assertion criteria provided. Collection method: clinical testing. Allele origin: germline. Not counted in ClinVar's aggregate classification.
Comment: The FGFR3 c.1957A>G variant is predicted to result in the amino acid substitution p.Asn653Asp. To our knowledge, this variant has not been reported in the literature or in a large population database, indicating this variant is rare. At this time, the clinical significance of this variant is uncertain due to the absence of conclusive functional and genetic evidence.

NM_000142.5(FGFR3):c.1957A>G (p.Asn653Asp)

Gene: FGFR3 (fibroblast growth factor receptor 3; plus strand). Cytogenetic location: 4p16.3.
Variant type: single nucleotide variant.
Coding change: c.1957A>G on transcript NM_000142.5 (MANE Select); coding-DNA position 1957, A replaced by G.
Protein change: p.Asn653Asp; replaces asparagine 653 with aspartic acid.
Molecular consequence: missense variant. On other transcripts: non-coding transcript variant (1).
Genome position (GRCh38, 1-based): chr4:1,806,171, A>G. VCF-style: chr4-1806171-A-G. GRCh37 (hg19) VCF-style: chr4-1807898-A-G.
Other names: c.1963A>G, p.Asn655Asp (NM_001163213.2); c.1960A>G, p.Asn654Asp (NM_001354809.2, NM_001354810.2); c.1621A>G, p.Asn541Asp (NM_022965.4); c.1957A>G (NM_000142.4); short protein forms N541D, N653D, N654D, N655D.
Identifiers: ClinVar variation 1680112 (VCV001680112.8), dbSNP rs1721887181, ClinGen allele CA355982636.
Genomic context (GRCh38, chr4:1,806,171, plus strand): 5'-ATCGCAGACTTCGGGCTGGCCCGGGACGTGCACAACCTCGACTACTACAAGAAGACGACC[A>G]ACGTGAGCCCGGCCCTGGGGTGCGGGGGTGGGGGTCATGCCAGTAGGACGCCTGGCGCCA-3'
Protein context (NP_000133.1, residues 643-663): HNLDYYKKTT[Asn653Asp]GRLPVKWMAP